The following is an entry in ClinVar:

NM_000245.4(MET):c.2364+3A>G

Gene: MET (MET proto-oncogene, receptor tyrosine kinase; plus strand). Cytogenetic location: 7q31.2.
Variant type: single nucleotide variant.
Coding change: c.2364+3A>G on transcript NM_000245.4 (MANE Select); 3 bases into the intron after coding-DNA position 2364, A replaced by G.
Molecular consequence: intron variant.
Genome position (GRCh38, 1-based): chr7:116,759,493, A>G. VCF-style: chr7-116759493-A-G. GRCh37 (hg19) VCF-style: chr7-116399547-A-G.
Other names: c.2418+3A>G (NM_001127500.3); c.1074+3A>G (NM_001324402.2); c.2364+3A>G (NM_001324401.3).
Identifiers: ClinVar variation 1790961 (VCV001790961.2), dbSNP rs2485727387, ClinGen allele CA2580076312.

ClinVar aggregate classification (germline): Uncertain significance (1 of 4 stars; one submission).

Conditions:
Hereditary cancer-predisposing syndrome. Also called: Hereditary Cancer Syndrome; Hereditary neoplastic syndrome; Tumor predisposition; Neoplastic Syndromes, Hereditary. Identifiers: Orphanet 140162, MedGen C0027672, MeSH D009386, MONDO:0015356.

Submission:

Ambry Genetics
Classification: Uncertain significance for Hereditary cancer-predisposing syndrome. Last evaluated: 2021-08-12. Review status: criteria provided, single submitter. Criteria: Ambry Variant Classification Scheme 2023. Collection method: clinical testing. Allele origin: germline.
Comment: The c.2418+3A>G intronic variant results from an A to G substitution 3 nucleotides after coding exon 9 in the MET gene. This nucleotide position is well conserved in available vertebrate species. In silico splice site analysis for this alteration is inconclusive. Since supporting evidence is limited at this time, the clinical significance of this alteration remains unclear.